The following is an entry in ClinVar:

ClinVar aggregate classification (germline): Uncertain significance (1 of 4 stars; one submission).

Conditions:
Fanconi anemia (FA). Also called: Fanconi's anemia. Identifiers: Orphanet 84, MedGen C0015625, MeSH D005199, MONDO:0019391.

Allele frequency attached by ClinVar (database versions not stated): gnomAD 0.00001; TOPMed 0.00001; gnomAD exomes 0.00002 and 0.00001; ExAC 0.00002; ESP Exome Variant Server 0.00008.
gnomAD v4.1: 18 of 1,584,044 alleles (0.0011%); highest among the groups gnomAD compares: East Asian, 0.0022%; no homozygotes.

Submission:

Labcorp Genetics (formerly Invitae), Labcorp
Classification: Uncertain significance for Fanconi anemia. Last evaluated: 2025-09-02. Review status: criteria provided, single submitter. Criteria: Invitae Variant Classification Sherloc (09022015). Collection method: clinical testing. Allele origin: germline.
Comment: This sequence change replaces glycine, which is neutral and non-polar, with serine, which is neutral and polar, at codon 1447 of the SLX4 protein (p.Gly1447Ser). This variant is present in population databases (rs371090786, gnomAD 0.004%). This variant has not been reported in the literature in individuals affected with SLX4-related conditions. ClinVar contains an entry for this variant (Variation ID: 1400095). An algorithm developed to predict the effect of missense changes on protein structure and function (PolyPhen-2) suggests that this variant is likely to be disruptive. In summary, the available evidence is currently insufficient to determine the role of this variant in disease. Therefore, it has been classified as a Variant of Uncertain Significance.

NM_032444.4(SLX4):c.4339G>A (p.Gly1447Ser)

Gene: SLX4 (SLX4 structure-specific endonuclease subunit; minus strand). Cytogenetic location: 16p13.3.
Variant type: single nucleotide variant.
Coding change: c.4339G>A on transcript NM_032444.4 (MANE Select); coding-DNA position 4339, G replaced by A.
Protein change: p.Gly1447Ser; replaces glycine 1447 with serine.
Molecular consequence: missense variant.
Genome position (GRCh38, 1-based): chr16:3,589,299, C>T on the plus strand (G>A on the coding strand, the complement: SLX4 is on the minus strand). VCF-style: chr16-3589299-C-T. GRCh37 (hg19) VCF-style: chr16-3639300-C-T.
Other names: short protein forms G1447S.
Identifiers: ClinVar variation 1400095 (VCV001400095.6), dbSNP rs371090786, ClinGen allele CA7865681.